The following is an entry in ClinVar:

ClinVar aggregate classification (germline): Likely pathogenic (1 of 4 stars; one submission).

Conditions:
Autosomal recessive polycystic kidney disease (ARPKD). Also called: AR polycystic kidney disease. Identifiers: Orphanet 731, Orphanet 8378, MedGen C0085548, MeSH D017044, MONDO:0009889.

Submission:

Natera, Inc.
Classification: Likely pathogenic for Autosomal recessive polycystic kidney disease. Last evaluated: 2024-03-04. Review status: criteria provided, single submitter. Criteria: Natera Variant Classification Schema (03/2026). Collection method: clinical testing. Allele origin: germline.
Comment: The c.9968_9969insG variant in PKHD1 is a frameshift variant predicted to shift the reading frame beginning at codon 3323 and leads to a stop codon 21 codons downstream. This variant is expected to result in nonsense mediated decay, truncation, or a dysfunctional protein product. This variant is rare in the general population with a frequency below the threshold expected for the associated phenotype(s). Given the available evidence, this variant is classified as Likely Pathogenic.

NM_138694.4(PKHD1):c.9968_9969insG (p.Asn3323fs)

Gene: PKHD1 (PKHD1 ciliary IPT domain containing fibrocystin/polyductin; minus strand). Cytogenetic location: 6p12.3.
Variant type: Insertion.
Coding change: c.9968_9969insG on transcript NM_138694.4 (MANE Select); coding-DNA positions 9968 to 9969, G inserted.
Protein change: p.Asn3323fs; shifts the reading frame from asparagine 3323.
Molecular consequence: frameshift variant.
Genome position: GRCh38 VCF-style: chr6-51746750-G-GC. GRCh37 (hg19) VCF-style: chr6-51611548-G-GC.
Other names: c.9968_9969insG, p.Asn3323fs (NM_170724.3); short protein forms N3323fs.
Identifiers: ClinVar variation 4816813 (VCV004816813.1).
Genomic context (GRCh38, chr6:51,746,750, plus strand): 5'-TATGGCTTATTATAAATACTAAAAATTATACCTGGGTTGTAATGAAGGAAAGTAGAACTT[G>GC]TTTTTATCTTTTATCTTTAGCATCCTGGTCCTCTCTGCTGTTATTGGGTGCATAATTCCA-3'